The following is an entry in ClinVar:

NM_153704.6(TMEM67):c.2035G>C (p.Glu679Gln)

Gene: TMEM67 (transmembrane protein 67; plus strand). Cytogenetic location: 8q22.1.
Variant type: single nucleotide variant.
Coding change: c.2035G>C on transcript NM_153704.6 (MANE Select); coding-DNA position 2035, G replaced by C.
Protein change: p.Glu679Gln; replaces glutamic acid 679 with glutamine.
Molecular consequence: missense variant. On other transcripts: non-coding transcript variant (1).
Genome position (GRCh38, 1-based): chr8:93,797,405, G>C. VCF-style: chr8-93797405-G-C. GRCh37 (hg19) VCF-style: chr8-94809633-G-C.
Other names: c.1792G>C, p.Glu598Gln (NM_001142301.1); short protein forms E598Q, E679Q.
Identifiers: ClinVar variation 3747885 (VCV003747885.2).
Genomic context (GRCh38, chr8:93,797,405, plus strand): 5'-CGAAGTGCCACTGTTCCTGTAAGCATATGGAGAACATATTTTGTAGCAAATGAATGGAAT[G>C]AAATTCAGACTGTGAGAAAAATTAATTCACTCTTTCAAGTACTTACTGTCCTCTTCTTTT-3'
Protein context (NP_714915.3, residues 669-689): RTYFVANEWN[Glu679Gln]IQTVRKINSL

ClinVar aggregate classification (germline): Uncertain significance (1 of 4 stars; one submission).

Conditions:
Joubert syndrome. Also called: CEREBELLOPARENCHYMAL DISORDER IV; JOUBERT-BOLTSHAUSER SYNDROME; Familial aplasia of the vermis. Identifiers: Orphanet 475, MedGen C5979921, MONDO:0018772.
Meckel-Gruber syndrome. Also called: DYSENCEPHALIA SPLANCHNOCYSTICA; GRUBER SYNDROME; Dysencephalia splachnocystica. Identifiers: Orphanet 564, MedGen C0265215, MONDO:0018921.

gnomAD v4.1: 5 of 1,613,984 alleles (0.00031%); highest among the groups gnomAD compares: Non-Finnish European, 0.00042%; no homozygotes.

Submission:

Labcorp Genetics (formerly Invitae), Labcorp
Classification: Uncertain significance for Joubert syndrome; Meckel-Gruber syndrome. Last evaluated: 2025-09-08. Review status: criteria provided, single submitter. Criteria: Invitae Variant Classification Sherloc (09022015). Collection method: clinical testing. Allele origin: germline.
Comment: This sequence change replaces glutamic acid, which is acidic and polar, with glutamine, which is neutral and polar, at codon 679 of the TMEM67 protein (p.Glu679Gln). This variant is not present in population databases (gnomAD no frequency). This missense change has been observed in individual(s) with clinical features of TMEM67-related conditions (PMID: 35764379). ClinVar contains an entry for this variant (Variation ID: 3747885). Invitae Evidence Modeling of protein sequence and biophysical properties (such as structural, functional, and spatial information, amino acid conservation, physicochemical variation, residue mobility, and thermodynamic stability) indicates that this missense variant is expected to disrupt TMEM67 protein function with a positive predictive value of 95%. In summary, the available evidence is currently insufficient to determine the role of this variant in disease. Therefore, it has been classified as a Variant of Uncertain Significance.

Literature cited by the submitters: PubMed 35764379.